The following is an entry in ClinVar:

NM_006073.4(TRDN):c.424+244C>G

Gene: TRDN (triadin; minus strand). Cytogenetic location: 6q22.31.
Variant type: single nucleotide variant.
Coding change: c.424+244C>G on transcript NM_006073.4 (MANE Select); 244 bases into the intron after coding-DNA position 424, C replaced by G.
Molecular consequence: intron variant.
Genome position (GRCh38, 1-based): chr6:123,547,096, G>C on the plus strand (C>G on the coding strand, the complement: TRDN is on the minus strand). VCF-style: chr6-123547096-G-C. GRCh37 (hg19) VCF-style: chr6-123868241-G-C.
Other names: c.424+244C>G (NM_001251987.2, NM_001256020.2, NM_001256021.2 and 1 more transcripts).
Identifiers: ClinVar variation 679462 (VCV000679462.1), dbSNP rs114907207, ClinGen allele CA147296981.

ClinVar aggregate classification (germline): Likely benign (1 of 4 stars; one submission).

Allele frequency attached by ClinVar (database versions not stated): gnomAD 0.00698 and 0.00763; 1000 Genomes Project 30x 0.00703; 1000 Genomes Project 0.00719; TOPMed 0.00813.
gnomAD v4.1: 1,053 of 151,992 alleles (0.69%); highest among the groups gnomAD compares: African/African-American, 2.4%; 16 homozygotes.

Submission:

GeneDx
Classification: Likely benign. Last evaluated: 2018-06-16. Review status: criteria provided, single submitter. Criteria: GeneDx Variant Classification (06012015). Collection method: clinical testing. Allele origin: germline. Affected: yes.
Comment: This variant is considered likely benign or benign based on one or more of the following criteria: it is a conservative change, it occurs at a poorly conserved position in the protein, it is predicted to be benign by multiple in silico algorithms, and/or has population frequency not consistent with disease.